The following is an entry in ClinVar:

NM_003482.4(KMT2D):c.12218C>T (p.Ser4073Leu)

Gene: KMT2D (lysine methyltransferase 2D; minus strand). Cytogenetic location: 12q13.12.
Variant type: single nucleotide variant.
Coding change: c.12218C>T on transcript NM_003482.4 (MANE Select); coding-DNA position 12218, C replaced by T.
Protein change: p.Ser4073Leu; replaces serine 4073 with leucine.
Molecular consequence: missense variant.
Genome position (GRCh38, 1-based): chr12:49,032,487, G>A on the plus strand (C>T on the coding strand, the complement: KMT2D is on the minus strand). VCF-style: chr12-49032487-G-A. GRCh37 (hg19) VCF-style: chr12-49426270-G-A.
Other names: c.12218C>T (NM_003482.3); short protein forms S4073L.
Identifiers: ClinVar variation 1514479 (VCV001514479.9), dbSNP rs1028956623, ClinGen allele CA236639639.

ClinVar aggregate classification (germline): Conflicting classifications of pathogenicity. Review status: criteria provided, conflicting classifications (1 of 4 stars). 2 submissions from 2 submitters: Uncertain significance (1); Benign (1). Last evaluated 2025-02-13.

Conditions:
Kabuki syndrome. Also called: Kabuki make-up syndrome; NIIKAWA-KUROKI SYNDROME. Identifiers: Orphanet 2322, MedGen C0796004, MONDO:0016512.
KMT2D-related disorder. Also called: KMT2D-Related Disorders.

Allele frequency attached by ClinVar (database versions not stated): gnomAD exomes below 0.00001; gnomAD 0.00001 and 0.00002; TOPMed 0.00002.

Submissions (2):

PreventionGenetics, part of Exact Sciences
Classification: Uncertain significance for KMT2D-related condition. Last evaluated: 2025-02-13. Review status: criteria provided, single submitter. Criteria: ACMG Guidelines, 2015. Collection method: clinical testing. Allele origin: germline.
Comment: The KMT2D c.12218C>T variant is predicted to result in the amino acid substitution p.Ser4073Leu. To our knowledge, this variant has not been reported in the literature. This variant is reported in 0.011% of alleles in individuals of African descent in gnomAD. Although we suspect that this variant may be benign, at this time, the clinical significance of this variant is uncertain due to the absence of conclusive functional and genetic evidence.

Labcorp Genetics (formerly Invitae), Labcorp
Classification: Benign for Kabuki syndrome. Last evaluated: 2023-07-07. Review status: criteria provided, single submitter. Criteria: Invitae Variant Classification Sherloc (09022015). Collection method: clinical testing. Allele origin: germline.